The following is an entry in ClinVar:

NM_173500.4(TTBK2):c.2476A>G (p.Thr826Ala)

Gene: TTBK2 (tau tubulin kinase 2; minus strand). Cytogenetic location: 15q15.2.
Variant type: single nucleotide variant.
Coding change: c.2476A>G on transcript NM_173500.4 (MANE Select); coding-DNA position 2476, A replaced by G.
Protein change: p.Thr826Ala; replaces threonine 826 with alanine.
Molecular consequence: missense variant.
Genome position (GRCh38, 1-based): chr15:42,752,770, T>C on the plus strand (A>G on the coding strand, the complement: TTBK2 is on the minus strand). VCF-style: chr15-42752770-T-C. GRCh37 (hg19) VCF-style: chr15-43044968-T-C.
Other names: short protein forms T826A.
Identifiers: ClinVar variation 2664698 (VCV002664698.1), dbSNP rs1454842883, ClinGen allele CA392072931.
Genomic context (GRCh38, chr15:42,752,770, plus strand): 5'-GCTTCATTATCTCATTATTTTTGTCTTGATTTGGCACCACACTAAAAGTCTGTGTTTTTG[T>C]CACATCAAGAGGTTCAGTAGTAGCTGAGTGATCCTTTTCCACAATTACCAAATCTCCTGG-3'
Protein context (NP_775771.3, residues 816-836): HSATTEPLDV[Thr826Ala]KTQTFSVVPN

ClinVar aggregate classification (germline): Uncertain significance (1 of 4 stars; one submission).

Conditions:
Spinocerebellar ataxia type 11 (SCA11). Identifiers: Orphanet 98767, MedGen C1858351, MONDO:0011464, OMIM 604432.

Allele frequency attached by ClinVar (database versions not stated): gnomAD exomes below 0.00001.
gnomAD v4.1: 2 of 1,614,226 alleles (0.00012%); highest among the groups gnomAD compares: East Asian, 0.0022%; no homozygotes.

Submission:

Genetics and Molecular Pathology, SA Pathology
Classification: Uncertain significance for Spinocerebellar ataxia type 11. Last evaluated: 2023-04-06. Review status: criteria provided, single submitter. Criteria: ACMG Guidelines, 2015. Collection method: clinical testing. Allele origin: germline. Inheritance: Autosomal dominant inheritance. Affected: yes.
Comment: The TTBK2 c.2476A>G variant is classified as VARIANT OF UNCERTAIN SIGNIFICANCE (PM2, BP4) The variant is a single nucleotide change in exon 14/15 of the TTBK2 gene, which is predicted to change the amino acid threonine at position 826 in the protein to alanine. The variant has been reported in dbSNP (rs1454842883) but is rare in population databases (gnomAD v2.1.1 2/124758, 0 homozygote; gnomAD v3.1.2 Not reported). The variant has not been reported in the ClinVar or HGMD disease databases. Computational predictions suggest no impact on the gene or gene product (BP4).